The following is an entry in ClinVar:

NM_015046.7(SETX):c.3463A>G (p.Ile1155Val)

Gene: SETX (senataxin; minus strand). Cytogenetic location: 9q34.13.
Variant type: single nucleotide variant.
Coding change: c.3463A>G on transcript NM_015046.7 (MANE Select); coding-DNA position 3463, A replaced by G.
Protein change: p.Ile1155Val; replaces isoleucine 1155 with valine.
Molecular consequence: missense variant.
Genome position (GRCh38, 1-based): chr9:132,328,135, T>C on the plus strand (A>G on the coding strand, the complement: SETX is on the minus strand). VCF-style: chr9-132328135-T-C. GRCh37 (hg19) VCF-style: chr9-135203522-T-C.
Other names: c.3463A>G, p.Ile1155Val (NM_001351527.2, NM_001351528.2); short protein forms I1155V.
Identifiers: ClinVar variation 4790287 (VCV004790287.1).
Genomic context (GRCh38, chr9:132,328,135, plus strand): 5'-TCACAGGATCTTCAGCCATTGGTTTTTCAGATCGTTTTCTCTTAGGCTTTTTTACTTCAA[T>C]TTCACAAAATTCTTCAACAGAAATACTCCGTGGTCTTGTGTGTTCTTCAATGCCCTCTGC-3'
Protein context (NP_055861.3, residues 1145-1165): RSISVEEFCE[Ile1155Val]EVKKPKRKRS

ClinVar aggregate classification (germline): Uncertain significance (1 of 4 stars; one submission).

Conditions:
Spinocerebellar ataxia, autosomal recessive, with axonal neuropathy 2 (SCAN2). Also called: ATAXIA-OCULOMOTOR APRAXIA 2; Ataxia-ocular apraxia-2; Ataxia with Oculomotor Apraxia; Ataxia with Oculomotor Apraxia Type 2. Identifiers: Orphanet 64753, MedGen C1853761, MONDO:0018996, OMIM 606002.
Amyotrophic lateral sclerosis type 4 (ALS4). Also called: AMYOTROPHIC LATERAL SCLEROSIS 4, JUVENILE; NEURONOPATHY, DISTAL HEREDITARY MOTOR, WITH PYRAMIDAL FEATURES. Identifiers: Orphanet 357043, MedGen C1865409, MONDO:0011223, OMIM 602433.

Submission:

Labcorp Genetics (formerly Invitae), Labcorp
Classification: Uncertain significance for Amyotrophic lateral sclerosis type 4; Spinocerebellar ataxia, autosomal recessive, with axonal neuropathy 2. Last evaluated: 2025-03-26. Review status: criteria provided, single submitter. Criteria: Invitae Variant Classification Sherloc (09022015). Collection method: clinical testing. Allele origin: germline.
Comment: This sequence change replaces isoleucine, which is neutral and non-polar, with valine, which is neutral and non-polar, at codon 1155 of the SETX protein (p.Ile1155Val). This variant is not present in population databases (gnomAD no frequency). This variant has not been reported in the literature in individuals affected with SETX-related conditions. Invitae Evidence Modeling of protein sequence and biophysical properties (such as structural, functional, and spatial information, amino acid conservation, physicochemical variation, residue mobility, and thermodynamic stability) indicates that this missense variant is not expected to disrupt SETX protein function with a negative predictive value of 95%. In summary, the available evidence is currently insufficient to determine the role of this variant in disease. Therefore, it has been classified as a Variant of Uncertain Significance.